The following is an entry in ClinVar:

ClinVar aggregate classification (germline): Uncertain significance (1 of 4 stars; one submission).

Conditions:
Neuroblastoma, susceptibility to, 3. Also called: ALK-Related Neuroblastic Tumor Susceptibility. Identifiers: Orphanet 635, MedGen C2751681, MONDO:0013083, OMIM 613014.

Submission:

Labcorp Genetics (formerly Invitae), Labcorp
Classification: Uncertain significance for Neuroblastoma, susceptibility to, 3. Last evaluated: 2023-12-21. Review status: criteria provided, single submitter. Criteria: Invitae Variant Classification Sherloc (09022015). Collection method: clinical testing. Allele origin: unknown.
Comment: This variant results in a copy number gain of the genomic region encompassing exon(s) 4 of the ALK gene. While the exact position of this variant cannot be determined from the data, sub-genic copy number gains are generally in tandem (PMID: 25640679). This variant is predicted to be out-of-frame, and may result in an absent or disrupted protein product. However, the current clinical and genetic evidence is not sufficient to establish whether loss-of-function variants in ALK cause disease. This variant has not been reported in the literature in individuals affected with ALK-related conditions. In summary, the available evidence is currently insufficient to determine the role of this variant in disease. Therefore, it has been classified as a Variant of Uncertain Significance.

Literature cited by the submitters: PubMed 25640679.

NC_000002.11:g.(?_29754761)_(29755002_?)dup

Gene: ALK (ALK receptor tyrosine kinase; minus strand). Cytogenetic location: 2p23.2.
Variant type: Duplication.
Identifiers: ClinVar variation 3247355 (VCV003247355.1).